The following is an entry in ClinVar:

ClinVar aggregate classification (germline): Uncertain significance (1 of 4 stars; one submission).

Conditions:
Inborn genetic diseases. Identifiers: MedGen C0950123, MeSH D030342.

Submission:

Ambry Genetics
Classification: Uncertain significance for Inborn genetic diseases. Last evaluated: 2024-09-17. Review status: criteria provided, single submitter. Criteria: Ambry Variant Classification Scheme 2023. Collection method: clinical testing. Allele origin: germline.
Comment: The c.4931A>G (p.H1644R) alteration is located in exon 13 (coding exon 12) of the NSD1 gene. This alteration results from an A to G substitution at nucleotide position 4931, causing the histidine (H) at amino acid position 1644 to be replaced by an arginine (R). This variant was not reported in population-based cohorts in the Genome Aggregation Database (gnomAD). This amino acid position is not well conserved in available vertebrate species. The in silico prediction for this alteration is inconclusive. Based on insufficient or conflicting evidence, the clinical significance of this alteration remains unclear.

NM_022455.5(NSD1):c.4931A>G (p.His1644Arg)

Gene: NSD1 (nuclear receptor binding SET domain protein 1; plus strand). Cytogenetic location: 5q35.3.
Variant type: single nucleotide variant.
Coding change: c.4931A>G on transcript NM_022455.5 (MANE Select); coding-DNA position 4931, A replaced by G.
Protein change: p.His1644Arg; replaces histidine 1644 with arginine.
Molecular consequence: missense variant.
Genome position (GRCh38, 1-based): chr5:177,257,116, A>G. VCF-style: chr5-177257116-A-G. GRCh37 (hg19) VCF-style: chr5-176684117-A-G.
Other names: c.4058A>G, p.His1353Arg (NM_001365684.2, NM_001409308.1, NM_001409309.1 and 1 more transcripts); c.4931A>G, p.His1644Arg (NM_001409301.1, NM_001409302.1, NM_001409303.1); c.4511A>G, p.His1504Arg (NM_001409304.1); c.4178A>G, p.His1393Arg (NM_001409305.1); c.4169A>G, p.His1390Arg (NM_001409306.1, NM_001409307.1); short protein forms H1353R, H1393R, H1504R, H1390R, H1644R.
Identifiers: ClinVar variation 3407959 (VCV003407959.1).